The following is an entry in ClinVar:

ClinVar aggregate classification (germline): Benign (1 of 4 stars; one submission).

Allele frequency attached by ClinVar (database versions not stated): gnomAD 0.20425 and 0.21173; TOPMed 0.21156; gnomAD exomes 0.22807; 1000 Genomes Project 30x 0.24578; 1000 Genomes Project 0.25220.
gnomAD v4.1: 281,762 of 1,245,576 alleles (23%); highest among the groups gnomAD compares: East Asian, 39%; 34,016 homozygotes.

Submission:

GeneDx
Classification: Benign. Last evaluated: 2018-06-14. Review status: criteria provided, single submitter. Criteria: GeneDx Variant Classification (06012015). Collection method: clinical testing. Allele origin: germline. Affected: yes.
Comment: This variant is considered likely benign or benign based on one or more of the following criteria: it is a conservative change, it occurs at a poorly conserved position in the protein, it is predicted to be benign by multiple in silico algorithms, and/or has population frequency not consistent with disease.

NM_182961.4(SYNE1):c.4690-81T>G

Gene: SYNE1 (spectrin repeat containing nuclear envelope protein 1; minus strand). Cytogenetic location: 6q25.2.
Variant type: single nucleotide variant.
Coding change: c.4690-81T>G on transcript NM_182961.4 (MANE Select); 81 bases into the intron before coding-DNA position 4690, T replaced by G.
Molecular consequence: intron variant.
Genome position (GRCh38, 1-based): chr6:152,430,291, A>C on the plus strand (T>G on the coding strand, the complement: SYNE1 is on the minus strand). VCF-style: chr6-152430291-A-C. GRCh37 (hg19) VCF-style: chr6-152751426-A-C.
Other names: c.4711-81T>G (NM_033071.5).
Identifiers: ClinVar variation 670636 (VCV000670636.1), dbSNP rs554608, ClinGen allele CA150219167.